The following is an entry in ClinVar:

ClinVar aggregate classification (germline): Pathogenic/Likely pathogenic. Review status: criteria provided, multiple submitters, no conflicts (2 of 4 stars). 5 submissions from 5 submitters: Pathogenic (3); Likely pathogenic (1). 1 of the submissions does not count toward it. Last evaluated 2025-03-15.

Conditions:
Autosomal recessive limb-girdle muscular dystrophy type 2E (LGMDR4). Also called: MUSCULAR DYSTROPHY, LIMB-GIRDLE, AUTOSOMAL RECESSIVE 4. Identifiers: Orphanet 119, MedGen C1858593, MONDO:0011423, OMIM 604286. Disease mechanism: Affects gamma-sarcoglycan and also disrupts the integrity of the entire sarcoglycan complex..

Allele frequency attached by ClinVar (database versions not stated): gnomAD exomes below 0.00001 and 0.00001.
gnomAD v4.1: 3 of 1,601,734 alleles (0.00019%); highest among the groups gnomAD compares: African/African-American, 0.0013%; no homozygotes.

Submissions (5):

Natera, Inc.
Classification: Likely pathogenic for Limb-girdle muscular dystrophy type 2E. Last evaluated: 2025-03-15. Review status: criteria provided, single submitter. Criteria: Natera Variant Classification Schema (03/2026). Collection method: clinical testing. Allele origin: germline.
Comment: The c.621+1G>T variant in SGCB is a canonical splice donor site variant predicted to affect pre-mRNA splicing, which may result in an abnormal transcript and altered protein product. This variant is expected to result in nonsense mediated decay, truncation, or a dysfunctional protein product. This variant is rare in the general population with a frequency below the threshold expected for the associated phenotype(s). This variant has been observed in one or more individuals affected with the associated recessive disease, as either homozygous or compound heterozygous with a second variant (PMID: 35416532, 39548682). Given the available evidence, this variant is classified as Likely Pathogenic.

Baylor Genetics
Classification: Pathogenic for Autosomal recessive limb-girdle muscular dystrophy type 2E. Last evaluated: 2024-02-05. Review status: criteria provided, single submitter. Criteria: ACMG Guidelines, 2015. Collection method: clinical testing. Allele origin: unknown.

Labcorp Genetics (formerly Invitae), Labcorp
Classification: Pathogenic for Autosomal recessive limb-girdle muscular dystrophy type 2E. Last evaluated: 2023-03-17. Review status: criteria provided, single submitter. Criteria: Invitae Variant Classification Sherloc (09022015). Collection method: clinical testing. Allele origin: germline.
Comment: This sequence change affects a donor splice site in intron 4 of the SGCB gene. It is expected to disrupt RNA splicing. Variants that disrupt the donor or acceptor splice site typically lead to a loss of protein function (PMID: 16199547), and loss-of-function variants in SGCB are known to be pathogenic (PMID: 15938573, 18285821). This variant is present in population databases (no rsID available, gnomAD 0.003%). Disruption of this splice site has been observed in individual(s) with clinical features of limb-girdle muscular dystrophy (Invitae). In at least one individual the data is consistent with being in trans (on the opposite chromosome) from a pathogenic variant. ClinVar contains an entry for this variant (Variation ID: 553619). Algorithms developed to predict the effect of sequence changes on RNA splicing suggest that this variant may disrupt the consensus splice site. For these reasons, this variant has been classified as Pathogenic.

Neuberg Centre For Genomic Medicine, NCGM
Classification: Pathogenic for Autosomal recessive limb-girdle muscular dystrophy type 2E. Review status: criteria provided, single submitter. Criteria: ACMG Guidelines, 2015. Collection method: clinical testing. Allele origin: germline. Inheritance: Autosomal recessive inheritance. Affected: yes.
Comment: The splice site c.621+1G>T variant in SGCB gene has been reported previously in homozygous state in individuals affected with Muscular dystrophy, limbgirdle, autosomal recessive 4 (Balci B et al.). This variant has been submitted allele frequency 0.0008% in the gnomAD and novel in 1000 genome database. It has been submitted to ClinVar with varying interpretations: Pathogenic/ Likely Pathogenic. This sequence change affects a donor splice site in intron 4 of the SGCB gene. It is expected to disrupt RNA splicing and likely results in an absent or disrupted protein product. Donor and acceptor splice site variants typically lead to a loss of protein function (Baralle D, Baralle M), and loss-of-function variants in SGCB are known to be pathogenic (Trabelsi M et al). For these reasons, this variant has been classified as Pathogenic.

Counsyl
Classification: Likely pathogenic for Autosomal recessive limb-girdle muscular dystrophy type 2E. Last evaluated: 2017-08-31. Review status: no assertion criteria provided. Collection method: clinical testing. Allele origin: unknown. Not counted in ClinVar's aggregate classification.

Literature cited by the submitters: PubMed 35416532 (cited by Natera, Inc.); PubMed 39548682 (cited by Natera, Inc.); PubMed 16199547 (cited by Labcorp Genetics (formerly Invitae), Labcorp); PubMed 15938573 (cited by Labcorp Genetics (formerly Invitae), Labcorp); PubMed 18285821 (cited by Labcorp Genetics (formerly Invitae), Labcorp).

NM_000232.5(SGCB):c.621+1G>T

Gene: SGCB (sarcoglycan beta; minus strand). Cytogenetic location: 4q12.
Variant type: single nucleotide variant.
Coding change: c.621+1G>T on transcript NM_000232.5 (MANE Select); the canonical splice donor site of the intron after coding-DNA position 621, G replaced by T.
Molecular consequence: splice donor variant.
Genome position (GRCh38, 1-based): chr4:52,028,729, C>A on the plus strand (G>T on the coding strand, the complement: SGCB is on the minus strand). VCF-style: chr4-52028729-C-A. GRCh37 (hg19) VCF-style: chr4-52894895-C-A.
Identifiers: ClinVar variation 553619 (VCV000553619.16), dbSNP rs1264362642, ClinGen allele CA356876420.